The following is an entry in ClinVar:

ClinVar aggregate classification (germline): Uncertain significance (1 of 4 stars; one submission).

Submission:

GeneDx
Classification: Uncertain significance. Last evaluated: 2023-10-10. Review status: criteria provided, single submitter. Criteria: GeneDx Variant Classification Process June 2021. Collection method: clinical testing. Allele origin: germline. Affected: yes.
Comment: Not observed at significant frequency in large population cohorts (gnomAD); In silico analysis supports that this missense variant has a deleterious effect on protein structure/function; Has not been previously published as pathogenic or benign to our knowledge

NM_002547.3(OPHN1):c.1574G>A (p.Gly525Glu)

Gene: OPHN1 (oligophrenin 1; minus strand). Cytogenetic location: Xq12.
Variant type: single nucleotide variant.
Coding change: c.1574G>A on transcript NM_002547.3 (MANE Select); coding-DNA position 1574, G replaced by A.
Protein change: p.Gly525Glu; replaces glycine 525 with glutamic acid.
Molecular consequence: missense variant.
Genome position (GRCh38, 1-based): chrX:68,096,982, C>T on the plus strand (G>A on the coding strand, the complement: OPHN1 is on the minus strand). VCF-style: chrX-68096982-C-T. GRCh37 (hg19) VCF-style: chrX-67316824-C-T.
Other names: short protein forms G525E.
Identifiers: ClinVar variation 3365965 (VCV003365965.1).